The following is an entry in ClinVar:

ClinVar aggregate classification (germline): Uncertain significance (1 of 4 stars; one submission).

Conditions:
MELAS syndrome (MELAS). Also called: Juvenile myopathy, encephalopathy, lactic acidosis, stroke. Identifiers: Orphanet 550, MedGen C0162671, MONDO:0010789, OMIM 540000.

Submission:

Wong Mito Lab, Molecular and Human Genetics, Baylor College of Medicine
Classification: Uncertain significance for MELAS syndrome. Last evaluated: 2019-07-12. Review status: criteria provided, single submitter. Criteria: Modified ACMG Guidelines (Unpublished). Collection method: clinical testing. Allele origin: germline.
Comment: The NC_012920.1:m.12318G>A variant in MT-TL2 gene is interpreted to be a Unknown Significance variant based on the modified ACMG guidelines (unpublished). This variant meets the following evidence codes reported in the guidelines: PP7

Literature cited by the submitters: PubMed 31965079.

NC_012920.1(MT-TL2):m.12318G>A

Gene: MT-TL2 (mitochondrially encoded tRNA leucine 2 (CUN); plus strand).
Variant type: single nucleotide variant.
Genome position: chrM-12318-G-A.
Identifiers: ClinVar variation 690196 (VCV000690196.1), dbSNP rs1603223664, ClinGen allele CA913170093.